The following is an entry in ClinVar:

ClinVar aggregate classification (germline): Uncertain significance (1 of 4 stars; one submission).

gnomAD v4.1: 1 of 1,613,602 alleles (0.000062%); highest among the groups gnomAD compares: Non-Finnish European, 0.000085%; no homozygotes.

Submission:

Labcorp Genetics (formerly Invitae), Labcorp
Classification: Uncertain significance. Last evaluated: 2021-01-28. Review status: criteria provided, single submitter. Criteria: Invitae Variant Classification Sherloc (09022015). Collection method: clinical testing. Allele origin: germline.
Comment: This sequence change replaces valine with leucine at codon 458 of the KCNV2 protein (p.Val458Leu). The valine residue is highly conserved and there is a small physicochemical difference between valine and leucine. This variant is not present in population databases (ExAC no frequency). In summary, the available evidence is currently insufficient to determine the role of this variant in disease. Therefore, it has been classified as a Variant of Uncertain Significance. This variant has not been reported in the literature in individuals with KCNV2-related conditions. Advanced modeling of protein sequence and biophysical properties (such as structural, functional, and spatial information, amino acid conservation, physicochemical variation, residue mobility, and thermodynamic stability) performed at Invitae indicates that this missense variant is expected to disrupt KCNV2 protein function.

NM_133497.4(KCNV2):c.1372G>C (p.Val458Leu)

Gene: KCNV2 (potassium voltage-gated channel modifier subfamily V member 2; plus strand). Cytogenetic location: 9p24.2.
Variant type: single nucleotide variant.
Coding change: c.1372G>C on transcript NM_133497.4 (MANE Select); coding-DNA position 1372, G replaced by C.
Protein change: p.Val458Leu; replaces valine 458 with leucine.
Molecular consequence: missense variant.
Genome position (GRCh38, 1-based): chr9:2,729,461, G>C. VCF-style: chr9-2729461-G-C. GRCh37 (hg19) VCF-style: chr9-2729461-G-C.
Other names: short protein forms V458L.
Identifiers: ClinVar variation 1003838 (VCV001003838.8), dbSNP rs374737276, ClinGen allele CA372803319.